The following is an entry in ClinVar:

NM_000551.4(VHL):c.*1990G>A

Genes: VHL (von Hippel-Lindau tumor suppressor; plus strand), LOC107303340 (3p25 von Hippel-Lindau tumor suppressor, E3 ubiquitin protein ligase Alu-mediated recombination region; plus strand). Cytogenetic location: 3p25.3.
Variant type: single nucleotide variant.
Coding change: c.*1990G>A on transcript NM_000551.4 (MANE Select); 1990 bases downstream of the stop codon, G replaced by A.
Molecular consequence: 3 prime UTR variant.
Genome position (GRCh38, 1-based): chr3:10,151,955, G>A. VCF-style: chr3-10151955-G-A. GRCh37 (hg19) VCF-style: chr3-10193639-G-A.
Other names: c.*2186G>A (NM_001354723.2); c.*1990G>A (NM_198156.3).
Identifiers: ClinVar variation 342457 (VCV000342457.5), dbSNP rs113678809, ClinGen allele CA10616775.
Genomic context (GRCh38, chr3:10,151,955, plus strand): 5'-CTATACAAAAAATTTTTAAAAATTAGCATGGCGGCACACATCTGTAATCCTAGCTACTTG[G>A]CAGGCTGAGGTGAGAAGATCATTGGAGTTTAGGAATTGGAGGCTGCAGTGAGCCATGAGT-3'

ClinVar aggregate classification (germline): Benign (1 of 4 stars; one submission).

Conditions:
Von Hippel-Lindau syndrome (VHLS). Also called: Von Hippel-Lindau; von Hippel–Lindau syndrome; VHL syndrome. Identifiers: Orphanet 892, MedGen C0019562, MONDO:0008667, OMIM 193300. Disease mechanism: loss of function.

Allele frequency attached by ClinVar (database versions not stated): gnomAD exomes 0.00118; gnomAD 0.01058 and 0.01135; TOPMed 0.01232; 1000 Genomes Project 0.01338; 1000 Genomes Project 30x 0.01468.
gnomAD v4.1: 1,640 of 181,488 alleles (0.9%); highest among the groups gnomAD compares: African/African-American, 3.6%; 32 homozygotes.

Submission:

Illumina Laboratory Services, Illumina
Classification: Benign for Von Hippel-Lindau syndrome. Last evaluated: 2018-01-13. Review status: criteria provided, single submitter. Criteria: ICSL Variant Classification Criteria 13 December 2019. Collection method: clinical testing. Allele origin: germline.
Comment: This variant was observed in the ICSL laboratory as part of a predisposition screen in an ostensibly healthy population. It had not been previously curated by ICSL or reported in the Human Gene Mutation Database (HGMD: prior to June 1st, 2018), and was therefore a candidate for classification through an automated scoring system. Utilizing variant allele frequency, disease prevalence and penetrance estimates, and inheritance mode, an automated score was calculated to assess if this variant is too frequent to cause the disease. Based on the score and internal cut-off values, a variant classified as benign is not then subjected to further curation. The score for this variant resulted in a classification of benign for this disease.